The following is an entry in ClinVar:

NM_014244.5(ADAMTS2):c.1360C>T (p.Gln454Ter)

Gene: ADAMTS2 (ADAM metallopeptidase with thrombospondin type 1 motif 2; minus strand). Cytogenetic location: 5q35.3.
Variant type: single nucleotide variant.
Coding change: c.1360C>T on transcript NM_014244.5 (MANE Select); coding-DNA position 1360, C replaced by T.
Protein change: p.Gln454Ter; replaces glutamine 454 with a stop codon.
Molecular consequence: nonsense.
Genome position (GRCh38, 1-based): chr5:179,154,071, G>A on the plus strand (C>T on the coding strand, the complement: ADAMTS2 is on the minus strand). VCF-style: chr5-179154071-G-A. GRCh37 (hg19) VCF-style: chr5-178581072-G-A.
Other names: c.1360C>T (NM_014244.4); c.1360C>T, p.Gln454Ter (NM_021599.4); short protein forms Q454*.
Identifiers: ClinVar variation 2028793 (VCV002028793.5), dbSNP rs2480242550, ClinGen allele CA362433313.

ClinVar aggregate classification (germline): Pathogenic/Likely pathogenic. Review status: criteria provided, multiple submitters, no conflicts (2 of 4 stars). 2 submissions from 2 submitters: Pathogenic (1); Likely pathogenic (1). Last evaluated 2024-04-01.

Conditions:
Ehlers-Danlos syndrome, dermatosparaxis type. Also called: Ehlers-Danlos syndrome, type VII, autosomal recessive; EDS VIIC; Dermatosparaxis. Identifiers: Orphanet 1901, MedGen C2700425, MONDO:0009161, OMIM 225410.

Submissions (2):

Natera, Inc.
Classification: Likely pathogenic for Ehlers-Danlos syndrome type VIIC. Last evaluated: 2024-04-01. Review status: criteria provided, single submitter. Criteria: Natera Variant Classification Schema (03/2026). Collection method: clinical testing. Allele origin: germline.
Comment: The c.1360C>T variant in ADAMTS2 is a nonsense variant predicted to introduce a stop codon at amino acid 454. This variant is expected to result in nonsense mediated decay, truncation, or a dysfunctional protein product. This variant is rare in the general population with a frequency below the threshold expected for the associated phenotype(s). Given the available evidence, this variant is classified as Likely Pathogenic.

Labcorp Genetics (formerly Invitae), Labcorp
Classification: Pathogenic for Ehlers-Danlos syndrome, dermatosparaxis type. Last evaluated: 2023-05-09. Review status: criteria provided, single submitter. Criteria: Invitae Variant Classification Sherloc (09022015). Collection method: clinical testing. Allele origin: germline.
Comment: This sequence change creates a premature translational stop signal (p.Gln454*) in the ADAMTS2 gene. It is expected to result in an absent or disrupted protein product. Loss-of-function variants in ADAMTS2 are known to be pathogenic (PMID: 10417273). For these reasons, this variant has been classified as Pathogenic. ClinVar contains an entry for this variant (Variation ID: 2028793). This variant has not been reported in the literature in individuals affected with ADAMTS2-related conditions. This variant is not present in population databases (gnomAD no frequency).

Literature cited by the submitters: PubMed 10417273 (cited by Labcorp Genetics (formerly Invitae), Labcorp).